The following is an entry in ClinVar:

NM_001379659.1(ZNF142):c.3185G>A (p.Arg1062His)

Gene: ZNF142 (zinc finger protein 142; minus strand). Cytogenetic location: 2q35.
Variant type: single nucleotide variant.
Coding change: c.3185G>A on transcript NM_001379659.1 (MANE Select); coding-DNA position 3185, G replaced by A.
Protein change: p.Arg1062His; replaces arginine 1062 with histidine.
Molecular consequence: missense variant.
Genome position (GRCh38, 1-based): chr2:218,643,931, C>T on the plus strand (G>A on the coding strand, the complement: ZNF142 is on the minus strand). VCF-style: chr2-218643931-C-T. GRCh37 (hg19) VCF-style: chr2-219508654-C-T.
Other names: c.2585G>A, p.Arg862His (NM_001105537.5, NM_001366291.3, NM_001379662.1); c.2096G>A, p.Arg699His (NM_001366287.3, NM_001366288.3, NM_001366289.3); c.3185G>A, p.Arg1062His (NM_001366290.3, NM_001379660.1, NM_001379661.1); short protein forms R1062H, R699H, R862H.
Identifiers: ClinVar variation 3899691 (VCV003899691.2).

ClinVar aggregate classification (germline): Uncertain significance (1 of 4 stars; one submission).

gnomAD v4.1: 25 of 1,613,960 alleles (0.0015%); highest among the groups gnomAD compares: Middle Eastern, 0.016%; no homozygotes.

Submission:

GeneDx
Classification: Uncertain significance. Last evaluated: 2025-12-11. Review status: criteria provided, single submitter. Criteria: GeneDx Variant Classification Process June 2021. Collection method: clinical testing. Allele origin: germline.
Comment: In silico analysis suggests that this missense variant does not alter protein structure/function; Has not been previously published as pathogenic or benign to our knowledge